The following is an entry in ClinVar:

ClinVar aggregate classification (germline): Uncertain significance. Review status: criteria provided, single submitter (1 of 4 stars). 2 submissions from 2 submitters: Uncertain significance (1). 1 of the submissions does not count toward it. Last evaluated 2025-09-05.

Conditions:
Inborn genetic diseases. Identifiers: MedGen C0950123, MeSH D030342.
ADCY3-related disorder. Also called: ADCY3-related condition.

gnomAD v4.1: 105 of 1,614,132 alleles (0.0065%); highest among the groups gnomAD compares: East Asian, 0.23%; 1 homozygote.

Submissions (2):

Ambry Genetics
Classification: Uncertain significance for Inborn genetic diseases. Last evaluated: 2025-09-05. Review status: criteria provided, single submitter. Criteria: Ambry Variant Classification Scheme 2023. Collection method: clinical testing. Allele origin: germline.

PreventionGenetics, part of Exact Sciences
Classification: Uncertain significance for ADCY3-related condition. Last evaluated: 2024-08-15. Review status: no assertion criteria provided. Collection method: clinical testing. Allele origin: germline. Not counted in ClinVar's aggregate classification.
Comment: The ADCY3 c.2233G>A variant is predicted to result in the amino acid substitution p.Gly745Ser. To our knowledge, this variant has not been reported in the literature. This variant is reported in 0.11% of alleles in individuals of East Asian descent in gnomAD. Although we suspect that this variant may be benign, at this time, the clinical significance of this variant is uncertain due to the absence of conclusive functional and genetic evidence.

NM_004036.5(ADCY3):c.2233G>A (p.Gly745Ser)

Gene: ADCY3 (adenylate cyclase 3; minus strand). Cytogenetic location: 2p23.3.
Variant type: single nucleotide variant.
Coding change: c.2233G>A on transcript NM_004036.5 (MANE Select); coding-DNA position 2233, G replaced by A.
Protein change: p.Gly745Ser; replaces glycine 745 with serine.
Molecular consequence: missense variant. On other transcripts: intron variant (2).
Genome position (GRCh38, 1-based): chr2:24,828,101, C>T on the plus strand (G>A on the coding strand, the complement: ADCY3 is on the minus strand). VCF-style: chr2-24828101-C-T. GRCh37 (hg19) VCF-style: chr2-25050970-C-T.
Other names: c.2233G>A, p.Gly745Ser (NM_001320613.2, NM_001377132.1); c.2299G>A, p.Gly767Ser (NM_001377128.1); c.1510G>A, p.Gly504Ser (NM_001377131.1); c.2172+2608G>A (NM_001377130.1); c.2173-78G>A (NM_001377129.1); c.2233G>A (NM_004036.3); short protein forms G504S, G745S, G767S.
Identifiers: ClinVar variation 3357750 (VCV003357750.2).